The following is an entry in ClinVar:

NM_001197104.2(KMT2A):c.10182G>A (p.Gly3394=)

Gene: KMT2A (lysine methyltransferase 2A; plus strand). Cytogenetic location: 11q23.3.
Variant type: single nucleotide variant.
Coding change: c.10182G>A on transcript NM_001197104.2 (MANE Select); coding-DNA position 10182, G replaced by A.
Protein change: p.Gly3394=; no amino-acid change (glycine 3394 retained).
Molecular consequence: synonymous variant.
Genome position (GRCh38, 1-based): chr11:118,506,074, G>A. VCF-style: chr11-118506074-G-A. GRCh37 (hg19) VCF-style: chr11-118376789-G-A.
Other names: c.10173G>A, p.Gly3391= (NM_005933.4); c.10182G>A (NM_001197104.1).
Identifiers: ClinVar variation 1535454 (VCV001535454.10), dbSNP rs782591418, ClinGen allele CA477361417.
Genomic context (GRCh38, chr11:118,506,074, plus strand): 5'-TACCCCAGATATTGGCTCAATAAGCAATCTTTTAATCAAAGCTAGCCAGCAGAGCCTGGG[G>A]ATTCAGGACCAGCCTGTGGCTTTACCGCCAAGTTCAGGAATGTTTCCACAACTGGGGACA-3'
Protein context (NP_001184033.1, residues 3384-3404): LLIKASQQSL[Gly3394=]IQDQPVALPP

ClinVar aggregate classification (germline): Likely benign. Review status: criteria provided, single submitter (1 of 4 stars). 2 submissions from 2 submitters: Likely benign (1). 1 of the submissions does not count toward it. Last evaluated 2023-10-27.

Conditions:
KMT2A-related disorder. Also called: KMT2A-related condition.

gnomAD v4.1: 13 of 1,614,176 alleles (0.00081%); highest among the groups gnomAD compares: Non-Finnish European, 0.0011%; no homozygotes.

Submissions (2):

Labcorp Genetics (formerly Invitae), Labcorp
Classification: Likely benign. Last evaluated: 2023-10-27. Review status: criteria provided, single submitter. Criteria: Invitae Variant Classification Sherloc (09022015). Collection method: clinical testing. Allele origin: germline.

PreventionGenetics, part of Exact Sciences
Classification: Likely benign for KMT2A-related condition. Last evaluated: 2019-05-23. Review status: no assertion criteria provided. Collection method: clinical testing. Allele origin: germline. Not counted in ClinVar's aggregate classification.
Comment: This variant is classified as likely benign based on ACMG/AMP sequence variant interpretation guidelines (Richards et al. 2015 PMID: 25741868, with internal and published modifications).